The following is an entry in ClinVar:

ClinVar aggregate classification (germline): Uncertain significance (1 of 4 stars; one submission).

Conditions:
Charcot-Marie-Tooth disease type 2. Also called: Charcot-Marie-Tooth type 2. Identifiers: Orphanet 64746, MedGen C0270914, MONDO:0018993.

Submission:

Labcorp Genetics (formerly Invitae), Labcorp
Classification: Uncertain significance for Charcot-Marie-Tooth disease type 2. Last evaluated: 2025-06-04. Review status: criteria provided, single submitter. Criteria: Invitae Variant Classification Sherloc (09022015). Collection method: clinical testing. Allele origin: germline.
Comment: This sequence change replaces histidine, which is basic and polar, with glutamine, which is neutral and polar, at codon 171 of the KIF1B protein (p.His171Gln). This variant is not present in population databases (gnomAD no frequency). This variant has not been reported in the literature in individuals affected with KIF1B-related conditions. Invitae Evidence Modeling of protein sequence and biophysical properties (such as structural, functional, and spatial information, amino acid conservation, physicochemical variation, residue mobility, and thermodynamic stability) indicates that this missense variant is expected to disrupt KIF1B protein function with a positive predictive value of 80%. In summary, the available evidence is currently insufficient to determine the role of this variant in disease. Therefore, it has been classified as a Variant of Uncertain Significance.

NM_001365951.3(KIF1B):c.513C>A (p.His171Gln)

Gene: KIF1B (kinesin family member 1B; plus strand). Cytogenetic location: 1p36.22.
Variant type: single nucleotide variant.
Coding change: c.513C>A on transcript NM_001365951.3 (MANE Select); coding-DNA position 513, C replaced by A.
Protein change: p.His171Gln; replaces histidine 171 with glutamine.
Molecular consequence: missense variant.
Genome position (GRCh38, 1-based): chr1:10,267,463, C>A. VCF-style: chr1-10267463-C-A. GRCh37 (hg19) VCF-style: chr1-10327521-C-A.
Other names: c.513C>A, p.His171Gln (NM_001365952.1, NM_001365953.1, NM_015074.3 and 1 more transcripts); short protein forms H171Q.
Identifiers: ClinVar variation 4740978 (VCV004740978.1).